The following is an entry in ClinVar:

NM_003242.6(TGFBR2):c.1644G>A (p.Ser548=)

Gene: TGFBR2 (transforming growth factor beta receptor 2; plus strand). Cytogenetic location: 3p24.1.
Variant type: single nucleotide variant.
Coding change: c.1644G>A on transcript NM_003242.6 (MANE Select); coding-DNA position 1644, G replaced by A.
Protein change: p.Ser548=; no amino-acid change (serine 548 retained).
Molecular consequence: synonymous variant.
Genome position (GRCh38, 1-based): chr3:30,691,539, G>A. VCF-style: chr3-30691539-G-A. GRCh37 (hg19) VCF-style: chr3-30733031-G-A.
Other names: c.1719G>A, p.Ser573= (NM_001024847.3); c.1827G>A, p.Ser609= (NM_001407126.1); c.1752G>A, p.Ser584= (NM_001407127.1); c.1671G>A, p.Ser557= (NM_001407128.1); c.1647G>A, p.Ser549= (NM_001407129.1); c.1641G>A, p.Ser547= (NM_001407130.1); c.1539G>A, p.Ser513= (NM_001407132.1, NM_001407133.1, NM_001407134.1 and 2 more transcripts); c.1359G>A, p.Ser453= (NM_001407137.1); and 2 more.
Identifiers: ClinVar variation 923461 (VCV000923461.12), dbSNP rs781309781, ClinGen allele CA047176.

ClinVar aggregate classification (germline): Likely benign. Review status: criteria provided, multiple submitters, no conflicts (2 of 4 stars). 5 submissions from 5 submitters: Likely benign (5). Last evaluated 2024-07-27.

Conditions:
Loeys-Dietz syndrome 2 (LDS2). Also called: Marfan syndrome, type 2 (formerly); AORTIC ANEURYSM, FAMILIAL THORACIC 3; MARFAN SYNDROME, TYPE II; Marfan Syndrome type 2; Marfan like connective tissue disorder; MFS 2. Identifiers: Orphanet 284973, Orphanet 558, MedGen C2674574, MONDO:0012427, OMIM 610168.
Familial thoracic aortic aneurysm and aortic dissection (TAAD). Also called: Thoracic aortic aneurysms and dissections. Identifiers: Orphanet 91387, MedGen C4707243, MONDO:0019625.

Allele frequency attached by ClinVar (database versions not stated): gnomAD 0.00001; gnomAD exomes 0.00001; ExAC 0.00002.
gnomAD v4.1: 13 of 1,614,004 alleles (0.00081%); highest among the groups gnomAD compares: Middle Eastern, 0.016%; no homozygotes.

Submissions (5):

Labcorp Genetics (formerly Invitae), Labcorp
Classification: Likely benign for Familial thoracic aortic aneurysm and aortic dissection. Last evaluated: 2024-07-27. Review status: criteria provided, single submitter. Criteria: Invitae Variant Classification Sherloc (09022015). Collection method: clinical testing. Allele origin: germline.

All of Us Research Program, National Institutes of Health
Classification: Likely benign for Loeys-Dietz syndrome 2. Last evaluated: 2023-06-28. Review status: criteria provided, single submitter. Criteria: ACMG Guidelines, 2015. Collection method: clinical testing. Allele origin: germline. Inheritance: Autosomal dominant inheritance. Observed: 1 variant allele, 1 heterozygote.
Comment: This study involves interpretation of variants in research participants for the purpose of population health screening. Participant phenotype was not available at the time of variant classification. Additional details can be found in publication PMID: 35346344, PMCID: PMC8962531

Blueprint Genetics
Classification: Likely benign. Last evaluated: 2022-12-15. Review status: criteria provided, single submitter. Criteria: ACMG Guidelines, 2015. Collection method: clinical testing. Allele origin: germline.

Ambry Genetics
Classification: Likely benign for Familial thoracic aortic aneurysm and aortic dissection. Last evaluated: 2021-06-23. Review status: criteria provided, single submitter. Criteria: Ambry Variant Classification Scheme 2023. Collection method: clinical testing. Allele origin: germline.

Color Diagnostics, LLC DBA Color Health
Classification: Likely benign for Familial thoracic aortic aneurysm and aortic dissection. Last evaluated: 2019-10-21. Review status: criteria provided, single submitter. Criteria: ACMG Guidelines, 2015. Collection method: clinical testing. Allele origin: germline.